The following is an entry in ClinVar:

ClinVar aggregate classification (germline): Conflicting classifications of pathogenicity. Review status: criteria provided, conflicting classifications (1 of 4 stars). 3 submissions from 3 submitters: Uncertain significance (2); Benign (1). Last evaluated 2025-11-23.

Conditions:
Primary ciliary dyskinesia. Also called: Ciliary dyskinesia. Identifiers: Orphanet 244, MedGen C0008780, MONDO:0016575, HP:0012265.

Allele frequency attached by ClinVar (database versions not stated): gnomAD exomes 0.00002 and 0.00007; ExAC 0.00006; 1000 Genomes Project 30x 0.00016; ESP Exome Variant Server 0.00017; 1000 Genomes Project 0.00020; gnomAD 0.00021 and 0.00024; TOPMed 0.00023.
gnomAD v4.1: 69 of 1,610,808 alleles (0.0043%); highest among the groups gnomAD compares: African/African-American, 0.065%; no homozygotes.

Submissions (3):

Labcorp Genetics (formerly Invitae), Labcorp
Classification: Benign for Primary ciliary dyskinesia. Last evaluated: 2025-11-23. Review status: criteria provided, single submitter. Criteria: Invitae Variant Classification Sherloc (09022015). Collection method: clinical testing. Allele origin: germline.

UNC Molecular Genetics  Laboratory, University of North Carolina at Chapel Hill
Classification: Uncertain significance for Primary ciliary dyskinesia. Last evaluated: 2019-07-09. Review status: criteria provided, single submitter. Criteria: ACMG Guidelines, 2015. Collection method: clinical testing. Allele origin: germline. Observed: 1 heterozygote.

Ambry Genetics
Classification: Uncertain significance for Primary ciliary dyskinesia. Last evaluated: 2018-02-02. Review status: criteria provided, single submitter. Criteria: Ambry Variant Classification Scheme 2023. Collection method: clinical testing. Allele origin: germline.
Comment: The p.I3303V variant (also known as c.9907A>G), located in coding exon 60 of the DNAH11 gene, results from an A to G substitution at nucleotide position 9907. The isoleucine at codon 3303 is replaced by valine, an amino acid with highly similar properties. This amino acid position is highly conserved in available vertebrate species. In addition, this alteration is predicted to be tolerated by in silico analysis. Since supporting evidence is limited at this time, the clinical significance of this alteration remains unclear.

NM_001277115.2(DNAH11):c.9907A>G (p.Ile3303Val)

Gene: DNAH11 (dynein axonemal heavy chain 11; plus strand). Cytogenetic location: 7p15.3.
Variant type: single nucleotide variant.
Coding change: c.9907A>G on transcript NM_001277115.2 (MANE Select); coding-DNA position 9907, A replaced by G.
Protein change: p.Ile3303Val; replaces isoleucine 3303 with valine.
Molecular consequence: missense variant.
Genome position (GRCh38, 1-based): chr7:21,787,566, A>G. VCF-style: chr7-21787566-A-G. GRCh37 (hg19) VCF-style: chr7-21827184-A-G.
Other names: short protein forms I3303V.
Identifiers: ClinVar variation 219980 (VCV000219980.16), dbSNP rs376875223, ClinGen allele CA349446.
Genomic context (GRCh38, chr7:21,787,566, plus strand): 5'-CCAAACCTGATTCGAACCAAATCTTTTGCAGCAGCTGGCCTGTGTGCCTGGGTCATCAAC[A>G]TCATTAAATTCTATGAGGTATCAATCCTAAATTGATTGTTTACAGATGTTCTCCACAAAG-3'
Protein context (NP_001264044.1, residues 3293-3313): AAGLCAWVIN[Ile3303Val]IKFYEVYCDV